The following is an entry in ClinVar:

NM_001193375.3(NDUFA11):c.494C>T (p.Ala165Val)

Gene: NDUFA11 (NADH:ubiquinone oxidoreductase subunit A11; minus strand). Cytogenetic location: 19p13.3.
Variant type: single nucleotide variant.
Coding change: c.494C>T on transcript NM_001193375.3; coding-DNA position 494, C replaced by T.
Protein change: p.Ala165Val; replaces alanine 165 with valine.
Molecular consequence: missense variant.
Genome position (GRCh38, 1-based): chr19:5,893,110, G>A on the plus strand (C>T on the coding strand, the complement: NDUFA11 is on the minus strand). VCF-style: chr19-5893110-G-A. GRCh37 (hg19) VCF-style: chr19-5893121-G-A.
Other names: short protein forms A165V.
Identifiers: ClinVar variation 1699009 (VCV001699009.6), dbSNP rs765004425, ClinGen allele CA9118851.

ClinVar aggregate classification (germline): Uncertain significance. Review status: criteria provided, multiple submitters, no conflicts (2 of 4 stars). 2 submissions from 2 submitters: Uncertain significance (2). Last evaluated 2021-09-16.

Conditions:
Mitochondrial complex I deficiency, nuclear type 14. Also called: Mitochondrial complex 1 deficiency, nuclear type 14. Identifiers: MedGen C4748777, MONDO:0032619, OMIM 618236.

Allele frequency attached by ClinVar (database versions not stated): gnomAD 0.00006 and 0.00007; TOPMed 0.00010; ExAC 0.00015; gnomAD exomes 0.00007.
gnomAD v4.1: 213 of 1,535,958 alleles (0.014%); highest among the groups gnomAD compares: Middle Eastern, 0.1%; no homozygotes.

Submissions (2):

Ambry Genetics
Classification: Uncertain significance. Last evaluated: 2021-09-16. Review status: criteria provided, single submitter. Criteria: Ambry Variant Classification Scheme 2023. Collection method: clinical testing. Allele origin: germline.

Victorian Clinical Genetics Services, Murdoch Childrens Research Institute
Classification: Uncertain significance for Mitochondrial complex I deficiency, nuclear type 14. Last evaluated: 2019-08-28. Review status: criteria provided, single submitter. Criteria: ACMG Guidelines, 2015. Collection method: clinical testing. Allele origin: germline. Inheritance: Autosomal recessive inheritance.
Comment: A heterozygous missense variant was identified, NM_001193375.1(NDUFA11):c.494C>T in exon 4 of 4 of the NDUFA11 gene (NB: This variant is non-coding in the predominant alternative transcript, NM_175614.4). This substitution is predicted to create a minor amino acid change from alanine to valine at position 165 of the protein, NP_001180304.1(NDUFA11):p.(Ala165Val). The alanine at this position has low conservation (100 vertebrates, UCSC), and is not situated in a known functional domain. In silico software predictions of the pathogenicity of this variant are conflicting (Polyphen, SIFT, CADD, Mutation Taster). The variant is present in the gnomAD population database at a frequency of 0.0083% (14 heterozygotes, 0 homozygotes). The variant has been previously reported in a clinical testing setting. Based on information available at the time of curation, this variant has been classified as a VARIANT of UNCERTAIN SIGNIFICANCE (VUS) with LOW CLINICAL RELEVANCE.